The following is an entry in ClinVar:

ClinVar aggregate classification (germline): Uncertain significance (0 of 4 stars; one submission).

Conditions:
SDCCAG8-related disorder. Also called: SDCCAG8-Related Disorders; SDCCAG8-related condition.

Submission:

PreventionGenetics, part of Exact Sciences
Classification: Uncertain significance for SDCCAG8-related condition. Last evaluated: 2024-08-22. Review status: no assertion criteria provided. Collection method: clinical testing. Allele origin: germline.
Comment: The SDCCAG8 c.397G>C variant is predicted to result in the amino acid substitution p.Glu133Gln. To our knowledge, this variant has not been reported in the literature or in a large population database, indicating this variant is rare. At this time, the clinical significance of this variant is uncertain due to the absence of conclusive functional and genetic evidence.

NM_006642.5(SDCCAG8):c.397G>C (p.Glu133Gln)

Gene: SDCCAG8 (SHH signaling and ciliogenesis regulator SDCCAG8; plus strand). Cytogenetic location: 1q43.
Variant type: single nucleotide variant.
Coding change: c.397G>C on transcript NM_006642.5 (MANE Select); coding-DNA position 397, G replaced by C.
Protein change: p.Glu133Gln; replaces glutamic acid 133 with glutamine.
Molecular consequence: missense variant. On other transcripts: 5 prime UTR variant (3).
Genome position (GRCh38, 1-based): chr1:243,274,633, G>C. VCF-style: chr1-243274633-G-C. GRCh37 (hg19) VCF-style: chr1-243437935-G-C.
Other names: c.-716G>C (NM_001350246.2); c.-604G>C (NM_001350247.2); c.397G>C, p.Glu133Gln (NM_001350248.2); c.103G>C, p.Glu35Gln (NM_001350249.2); c.-977G>C (NM_001350251.2); short protein forms E133Q, E35Q.
Identifiers: ClinVar variation 3346301 (VCV003346301.1).